The following is an entry in ClinVar:

NM_001940.4(ATN1):c.1376C>G (p.Pro459Arg)

Gene: ATN1 (atrophin 1; plus strand). Cytogenetic location: 12p13.31.
Variant type: single nucleotide variant.
Coding change: c.1376C>G on transcript NM_001940.4 (MANE Select); coding-DNA position 1376, C replaced by G.
Protein change: p.Pro459Arg; replaces proline 459 with arginine.
Molecular consequence: missense variant.
Genome position (GRCh38, 1-based): chr12:6,936,643, C>G. VCF-style: chr12-6936643-C-G. GRCh37 (hg19) VCF-style: chr12-7045806-C-G.
Other names: c.1376C>G, p.Pro459Arg (NM_001007026.2, NM_001424176.1, NM_001424177.1 and 1 more transcripts); c.1373C>G, p.Pro458Arg (NM_001424179.1, NM_001424180.1, NM_001424182.1); short protein forms P458R, P459R.
Identifiers: ClinVar variation 3339003 (VCV003339003.1).

ClinVar aggregate classification (germline): Uncertain significance (1 of 4 stars; one submission).

gnomAD v4.1: 6 of 1,613,652 alleles (0.00037%); highest among the groups gnomAD compares: Admixed American, 0.0017%; no homozygotes.

Submission:

Women's Health and Genetics/Laboratory Corporation of America, LabCorp
Classification: Uncertain significance. Last evaluated: 2024-07-09. Review status: criteria provided, single submitter. Criteria: LabCorp Variant Classification Summary - May 2015. Collection method: clinical testing. Allele origin: germline.
Comment: Variant summary: ATN1 c.1376C>G (p.Pro459Arg) results in a non-conservative amino acid change in the encoded protein sequence. Three of five in-silico tools predict a benign effect of the variant on protein function. The variant allele was found at a frequency of 4e-06 in 251202 control chromosomes. The available data on variant occurrences in the general population are insufficient to allow any conclusion about variant significance. To our knowledge, no occurrence of c.1376C>G in individuals affected with ATN1-Related Disorders and no experimental evidence demonstrating its impact on protein function have been reported. No submitters have cited clinical-significance assessments for this variant to ClinVar. Based on the evidence outlined above, the variant was classified as uncertain significance.